The following is an entry in ClinVar:

NM_014009.4(FOXP3):c.1039C>T (p.Arg347Cys)

Gene: FOXP3 (forkhead box P3; minus strand). Cytogenetic location: Xp11.23.
Variant type: single nucleotide variant.
Coding change: c.1039C>T on transcript NM_014009.4 (MANE Select); coding-DNA position 1039, C replaced by T.
Protein change: p.Arg347Cys; replaces arginine 347 with cysteine.
Molecular consequence: missense variant.
Genome position (GRCh38, 1-based): chrX:49,253,131, G>A on the plus strand (C>T on the coding strand, the complement: FOXP3 is on the minus strand). VCF-style: chrX-49253131-G-A. GRCh37 (hg19) VCF-style: chrX-49109592-G-A.
Other names: c.934C>T, p.Arg312Cys (NM_001114377.2); short protein forms R312C, R347C.
Identifiers: ClinVar variation 2634917 (VCV002634917.1), dbSNP rs2066044619, ClinGen allele CA412950091.

ClinVar aggregate classification (germline): Uncertain significance (1 of 4 stars; one submission).

Conditions:
FOXP3-related disorder. Also called: FOXP3-related condition.

Allele frequency attached by ClinVar (database versions not stated): TOPMed 0.00002.
gnomAD v4.1: 5 of 1,208,556 alleles (0.00041%); highest among the groups gnomAD compares: Admixed American, 0.0022%; no homozygotes.

Submission:

PreventionGenetics, part of Exact Sciences
Classification: Uncertain significance for FOXP3-related condition. Last evaluated: 2022-12-16. Review status: criteria provided, single submitter. Criteria: ACMG Guidelines, 2015. Collection method: clinical testing. Allele origin: germline.
Comment: The FOXP3 c.1039C>T variant is predicted to result in the amino acid substitution p.Arg347Cys. To our knowledge, this variant has not been reported in the literature. This variant is reported in 0.0037% of alleles in individuals of Latino descent in gnomAD. Of note, a different variant at the same amino acid (p.Arg347His) has been reported in patients with immune dysregulation, polyendocrinopathy, enteropathy, X-linked (IPEX) syndrome (Gambineri et al. 2008. PubMed ID: 18951619; Doğruel. 2019. PubMed ID: 31990476). At this time, the clinical significance of the c.1039C>T (p.Arg347Cys) variant is uncertain due to the absence of conclusive functional and genetic evidence.